The following is an entry in ClinVar:

NM_000157.4(GBA1):c.1505+43_1506del

Genes: GBA1 (glucosylceramidase beta 1; minus strand), LOC106627981 (GBA recombination region; plus strand). Cytogenetic location: 1q22.
Variant type: Deletion.
Coding change: c.1505+43_1506del on transcript NM_000157.4 (MANE Select); 43 bases into the intron after coding-DNA position 1505 through coding-DNA position 1506, 53 bases deleted.
Molecular consequence: splice acceptor variant.
Genome position (GRCh38, 1-based): chr1:155,235,100-155,235,152, 53 bases deleted. GRCh37 (hg19): chr1:155,204,894-155,204,946.
Other names: p.?; c.1244+43_1245del (NM_001171811.2); c.1505+43_1506del (NM_001005742.3, NM_001005741.3); c.1358+43_1359del (NM_001171812.2).
Identifiers: ClinVar variation 4541465 (VCV004541465.1).

ClinVar aggregate classification (germline): Uncertain significance (1 of 4 stars; one submission).

Submission:

Mayo Clinic Laboratories, Mayo Clinic
Classification: Uncertain significance. Last evaluated: 2025-04-21. Review status: criteria provided, single submitter. Criteria: ACMG Guidelines, 2015. Collection method: clinical testing. Allele origin: germline. Observed: 1 variant allele.
Comment: PM2_supporting, PVS1_moderate